The following is an entry in ClinVar:

ClinVar aggregate classification (germline): Likely benign (1 of 4 stars; one submission).

Conditions:
Leigh syndrome (NULS). Also called: Leigh's necrotizing encephalopathy; Leigh's disease; Leigh Syndrome (mtDNA deletion); Leigh Disease; Subacute necrotizing encephalopathy; Necrotizing encephalopathy infantile subacute of Leigh. Identifiers: Orphanet 506, MedGen C2931891, MONDO:0009723, OMIM 256000.

Submission:

Wong Mito Lab, Molecular and Human Genetics, Baylor College of Medicine
Classification: Likely benign for Leigh syndrome. Last evaluated: 2019-10-17. Review status: criteria provided, single submitter. Criteria: Modified ACMG Guidelines (Unpublished). Collection method: clinical testing. Allele origin: germline.
Comment: The NC_012920.1:m.8554A>G (YP_003024031.1:p.Ile10Val) variant in MTATP6 gene is interpretated to be a Likely Benign variant based on the modified ACMG guidelines (unpublished). This variant meets the following evidence codes: BS4, BP4

NC_012920.1(MT-ATP8):m.8554A>G

Genes: MT-ATP8 (mitochondrially encoded ATP synthase 8; plus strand), MT-ATP6 (mitochondrially encoded ATP synthase 6; plus strand).
Variant type: single nucleotide variant.
Genome position: chrM-8554-A-G.
Identifiers: ClinVar variation 692899 (VCV000692899.1), dbSNP rs1603221583, ClinGen allele CA414796665.